The following is an entry in ClinVar:

ClinVar aggregate classification (germline): Uncertain significance (1 of 4 stars; one submission).

Conditions:
Cardiovascular phenotype. Identifiers: MedGen CN230736.

gnomAD v4.1: 2 of 1,613,800 alleles (0.00012%); highest among the groups gnomAD compares: South Asian, 0.0011%; no homozygotes.

Submission:

Ambry Genetics
Classification: Uncertain significance for Cardiovascular phenotype. Last evaluated: 2025-04-17. Review status: criteria provided, single submitter. Criteria: Ambry Variant Classification Scheme 2023. Collection method: clinical testing. Allele origin: germline.
Comment: The p.G397R variant (also known as c.1189G>A), located in coding exon 8 of the CBL gene, results from a G to A substitution at nucleotide position 1189. The glycine at codon 397 is replaced by arginine, an amino acid with dissimilar properties. This amino acid position is conserved. In addition, this alteration is predicted to be deleterious by in silico analysis. Based on the available evidence, the clinical significance of this variant remains unclear.

NM_005188.4(CBL):c.1189G>A (p.Gly397Arg)

Gene: CBL (Cbl proto-oncogene; plus strand). Cytogenetic location: 11q23.3.
Variant type: single nucleotide variant.
Coding change: c.1189G>A on transcript NM_005188.4 (MANE Select); coding-DNA position 1189, G replaced by A.
Protein change: p.Gly397Arg; replaces glycine 397 with arginine.
Molecular consequence: missense variant.
Genome position (GRCh38, 1-based): chr11:119,278,259, G>A. VCF-style: chr11-119278259-G-A. GRCh37 (hg19) VCF-style: chr11-119148969-G-A.
Other names: short protein forms G397R.
Identifiers: ClinVar variation 3996023 (VCV003996023.1).